The following is an entry in ClinVar:

ClinVar aggregate classification (germline): Uncertain significance (1 of 4 stars; one submission).

Conditions:
Myopathy, proximal, and ophthalmoplegia (CMYO6). Also called: MYOPATHY WITH CONGENITAL JOINT CONTRACTURES, OPHTHALMOPLEGIA, AND RIMMED VACUOLES; INCLUSION BODY MYOPATHY 3, AUTOSOMAL DOMINANT; CONGENITAL MYOPATHY 6 WITH OPHTHALMOPLEGIA. Identifiers: Orphanet 363677, Orphanet 79091, MedGen C1854106, MONDO:0011577, OMIM 605637.

Allele frequency attached by ClinVar (database versions not stated): gnomAD 0.00001 and 0.00003; gnomAD exomes 0.00003 and 0.00012; TOPMed 0.00003; ExAC 0.00020; 1000 Genomes Project 30x 0.00078; 1000 Genomes Project 0.00080.
gnomAD v4.1: 49 of 1,614,192 alleles (0.003%); highest among the groups gnomAD compares: South Asian, 0.0044%; no homozygotes.

Submission:

Labcorp Genetics (formerly Invitae), Labcorp
Classification: Uncertain significance for Myopathy, proximal, and ophthalmoplegia. Last evaluated: 2026-01-14. Review status: criteria provided, single submitter. Criteria: Invitae Variant Classification Sherloc (09022015). Collection method: clinical testing. Allele origin: germline.
Comment: This sequence change replaces alanine, which is neutral and non-polar, with threonine, which is neutral and polar, at codon 1444 of the MYH2 protein (p.Ala1444Thr). This variant is present in population databases (rs142908651, gnomAD 0.02%). This variant has not been reported in the literature in individuals affected with MYH2-related conditions. ClinVar contains an entry for this variant (Variation ID: 534343). Invitae Evidence Modeling of protein sequence and biophysical properties (such as structural, functional, and spatial information, amino acid conservation, physicochemical variation, residue mobility, and thermodynamic stability) indicates that this missense variant is not expected to disrupt MYH2 protein function with a negative predictive value of 80%. In summary, the available evidence is currently insufficient to determine the role of this variant in disease. Therefore, it has been classified as a Variant of Uncertain Significance.

NM_017534.6(MYH2):c.4330G>A (p.Ala1444Thr)

Genes: MYHAS (myosin heavy chain gene cluster antisense RNA; plus strand), MYH2 (myosin heavy chain 2; minus strand). Cytogenetic location: 17p13.1.
Variant type: single nucleotide variant.
Coding change: c.4330G>A on transcript NM_017534.6 (MANE Select); coding-DNA position 4330, G replaced by A.
Protein change: p.Ala1444Thr; replaces alanine 1444 with threonine.
Molecular consequence: missense variant.
Genome position (GRCh38, 1-based): chr17:10,525,734, C>T on the plus strand (G>A on the coding strand, the complement: MYH2 is on the minus strand). VCF-style: chr17-10525734-C-T. GRCh37 (hg19) VCF-style: chr17-10429051-C-T.
Other names: c.4330G>A, p.Ala1444Thr (NM_001100112.2); short protein forms A1444T.
Identifiers: ClinVar variation 534343 (VCV000534343.4), dbSNP rs142908651, ClinGen allele CA8390662.
Genomic context (GRCh38, chr17:10,525,734, plus strand): 5'-AAGATGCTGGAGGAATTACCTTATCGAAGTTCCTTTGCTTTTTGTCAAGGGCGGCACAGG[C>T]GGCATTTGTCCTCTCCACATCAAGCATGAGGTCCTCGACCTCATTCTGCAGCCGCTGCTT-3'
Protein context (NP_060004.3, residues 1434-1454): LMLDVERTNA[Ala1444Thr]CAALDKKQRN